The following is an entry in ClinVar:

NM_153704.6(TMEM67):c.1806G>A (p.Met602Ile)

Gene: TMEM67 (transmembrane protein 67; plus strand). Cytogenetic location: 8q22.1.
Variant type: single nucleotide variant.
Coding change: c.1806G>A on transcript NM_153704.6 (MANE Select); coding-DNA position 1806, G replaced by A.
Protein change: p.Met602Ile; replaces methionine 602 with isoleucine.
Molecular consequence: missense variant. On other transcripts: non-coding transcript variant (1).
Genome position (GRCh38, 1-based): chr8:93,795,933, G>A. VCF-style: chr8-93795933-G-A. GRCh37 (hg19) VCF-style: chr8-94808161-G-A.
Other names: c.1563G>A, p.Met521Ile (NM_001142301.1); short protein forms M602I, M521I.
Identifiers: ClinVar variation 1954807 (VCV001954807.6), dbSNP rs1814594651, ClinGen allele CA371693026.
Genomic context (GRCh38, chr8:93,795,933, plus strand): 5'-ATATTTAATCAAGTAATTTTTATTATAGGCACAGAAGTCTGTGTCTGTTTTGCTGCCAAT[G>A]CCAATTCAGGAAGAACGTTTTGTCACTTATGTTGGATGTGCCTTTGCTCTGAAGGTAAGT-3'
Protein context (NP_714915.3, residues 592-612): AQKSVSVLLP[Met602Ile]PIQEERFVTY

ClinVar aggregate classification (germline): Uncertain significance. Review status: criteria provided, multiple submitters, no conflicts (2 of 4 stars). 2 submissions from 2 submitters: Uncertain significance (2). Last evaluated 2025-12-16.

Conditions:
TMEM67-related disorder. Also called: TMEM67-related condition; TMEM67-related disorders. Identifiers: MedGen CN239423.
Meckel-Gruber syndrome. Also called: DYSENCEPHALIA SPLANCHNOCYSTICA; GRUBER SYNDROME; Dysencephalia splachnocystica. Identifiers: Orphanet 564, MedGen C0265215, MONDO:0018921.
Joubert syndrome. Also called: Familial aplasia of the vermis; JOUBERT-BOLTSHAUSER SYNDROME. Identifiers: Orphanet 475, MedGen C5979921, MONDO:0018772.

Allele frequency attached by ClinVar (database versions not stated): gnomAD exomes below 0.00001; TOPMed 0.00001.
gnomAD v4.1: 1 of 1,612,936 alleles (0.000062%); highest among the groups gnomAD compares: African/African-American, 0.0013%; no homozygotes.

Submissions (2):

PreventionGenetics, part of Exact Sciences
Classification: Uncertain significance for TMEM67-related condition. Last evaluated: 2025-12-16. Review status: criteria provided, single submitter. Criteria: ACMG Guidelines, 2015. Collection method: clinical testing. Allele origin: germline.
Comment: The TMEM67 c.1806G>A variant is predicted to result in the amino acid substitution p.Met602Ile. To our knowledge, this variant has not been reported in the literature or in a large population database (gnomAD), indicating this variant is rare. At this time, the clinical significance of this variant is uncertain due to the absence of conclusive functional and genetic evidence.

Labcorp Genetics (formerly Invitae), Labcorp
Classification: Uncertain significance for Joubert syndrome; Meckel-Gruber syndrome. Last evaluated: 2022-11-22. Review status: criteria provided, single submitter. Criteria: Invitae Variant Classification Sherloc (09022015). Collection method: clinical testing. Allele origin: germline.
Comment: This variant has not been reported in the literature in individuals affected with TMEM67-related conditions. In summary, the available evidence is currently insufficient to determine the role of this variant in disease. Therefore, it has been classified as a Variant of Uncertain Significance. Algorithms developed to predict the effect of missense changes on protein structure and function (SIFT, PolyPhen-2, Align-GVGD) all suggest that this variant is likely to be tolerated. This variant is not present in population databases (gnomAD no frequency). This sequence change replaces methionine, which is neutral and non-polar, with isoleucine, which is neutral and non-polar, at codon 602 of the TMEM67 protein (p.Met602Ile).